The following is an entry in ClinVar:

ClinVar aggregate classification (germline): Likely benign (1 of 4 stars; one submission).

gnomAD v4.1: 5 of 1,613,758 alleles (0.00031%); highest among the groups gnomAD compares: African/African-American, 0.004%; no homozygotes.

Submission:

CeGaT Center for Human Genetics Tuebingen
Classification: Likely benign. Last evaluated: 2025-09-01. Review status: criteria provided, single submitter. Criteria: CeGaT Center For Human Genetics Tuebingen Variant Classification Criteria Version 2. Collection method: clinical testing. Allele origin: germline. Affected: yes. Observed: 1 variant allele.
Comment: TRIO: BP4

NM_007118.4(TRIO):c.4860-5G>A

Genes: TRIO (trio Rho guanine nucleotide exchange factor; plus strand), LOC126807322 (P300/CBP strongly-dependent group 1 enhancer GRCh37_chr5:14406263-14407462; plus strand). Cytogenetic location: 5p15.2.
Variant type: single nucleotide variant.
Coding change: c.4860-5G>A on transcript NM_007118.4 (MANE Select); 5 bases into the intron before coding-DNA position 4860, G replaced by A.
Molecular consequence: intron variant.
Genome position (GRCh38, 1-based): chr5:14,406,568, G>A. VCF-style: chr5-14406568-G-A. GRCh37 (hg19) VCF-style: chr5-14406677-G-A.
Identifiers: ClinVar variation 4281289 (VCV004281289.7).